The following is an entry in ClinVar:

NM_001270508.2(TNFAIP3):c.464C>G (p.Thr155Arg)

Gene: TNFAIP3 (TNF alpha induced protein 3; plus strand). Cytogenetic location: 6q23.3.
Variant type: single nucleotide variant.
Coding change: c.464C>G on transcript NM_001270508.2 (MANE Select); coding-DNA position 464, C replaced by G.
Protein change: p.Thr155Arg; replaces threonine 155 with arginine.
Molecular consequence: missense variant.
Genome position (GRCh38, 1-based): chr6:137,875,013, C>G. VCF-style: chr6-137875013-C-G. GRCh37 (hg19) VCF-style: chr6-138196150-C-G.
Other names: c.464C>G, p.Thr155Arg (NM_001270507.2, NM_006290.4); short protein forms T155R.
Identifiers: ClinVar variation 1310124 (VCV001310124.2), dbSNP rs750716064, ClinGen allele CA365782485.

ClinVar aggregate classification (germline): Uncertain significance (1 of 4 stars; one submission).

Submission:

GeneDx
Classification: Uncertain significance. Last evaluated: 2019-12-12. Review status: criteria provided, single submitter. Criteria: GeneDx Variant Classification Process June 2021. Collection method: clinical testing. Allele origin: germline. Affected: yes.
Comment: Not observed in large population cohorts (Lek et al., 2016); In silico analysis, which includes protein predictors and evolutionary conservation, supports that this variant does not alter protein structure/function; Has not been previously published as pathogenic or benign to our knowledge